The following is an entry in ClinVar:

NM_004371.4(COPA):c.1031T>A (p.Leu344Gln)

Gene: COPA (coat protein complex I subunit alpha; minus strand). Cytogenetic location: 1q23.2.
Variant type: single nucleotide variant.
Coding change: c.1031T>A on transcript NM_004371.4 (MANE Select); coding-DNA position 1031, T replaced by A.
Protein change: p.Leu344Gln; replaces leucine 344 with glutamine.
Molecular consequence: missense variant.
Genome position (GRCh38, 1-based): chr1:160,311,913, A>T on the plus strand (T>A on the coding strand, the complement: COPA is on the minus strand). VCF-style: chr1-160311913-A-T. GRCh37 (hg19) VCF-style: chr1-160281703-A-T.
Other names: c.1031T>A, p.Leu344Gln (NM_001098398.2); short protein forms L344Q.
Identifiers: ClinVar variation 2852894 (VCV002852894.3), dbSNP rs1658979265, ClinGen allele CA343260871.

ClinVar aggregate classification (germline): Uncertain significance (1 of 4 stars; one submission).

Conditions:
Autoimmune interstitial lung disease-arthritis syndrome. Also called: Autoinflammation and autoimmunity, systemic, with immune dysregulation. Identifiers: Orphanet 444092, MedGen C5975714, MONDO:0014629.

Allele frequency attached by ClinVar (database versions not stated): TOPMed below 0.00001.

Submission:

Labcorp Genetics (formerly Invitae), Labcorp
Classification: Uncertain significance for Autoimmune interstitial lung disease-arthritis syndrome. Last evaluated: 2023-04-06. Review status: criteria provided, single submitter. Criteria: Invitae Variant Classification Sherloc (09022015). Collection method: clinical testing. Allele origin: germline.
Comment: This sequence change replaces leucine, which is neutral and non-polar, with glutamine, which is neutral and polar, at codon 344 of the COPA protein (p.Leu344Gln). This variant is not present in population databases (gnomAD no frequency). This variant has not been reported in the literature in individuals affected with COPA-related conditions. Advanced modeling of protein sequence and biophysical properties (such as structural, functional, and spatial information, amino acid conservation, physicochemical variation, residue mobility, and thermodynamic stability) performed at Invitae indicates that this missense variant is expected to disrupt COPA protein function. In summary, the available evidence is currently insufficient to determine the role of this variant in disease. Therefore, it has been classified as a Variant of Uncertain Significance.